The following is an entry in ClinVar:

NM_177972.3(TUB):c.366C>T (p.Ala122=)

Genes: RIC3 (RIC3 acetylcholine receptor chaperone; minus strand), TUB (TUB bipartite transcription factor; plus strand). Cytogenetic location: 11p15.4.
Variant type: single nucleotide variant.
Coding change: c.366C>T on transcript NM_177972.3 (MANE Select); coding-DNA position 366, C replaced by T.
Protein change: p.Ala122=; no amino-acid change (alanine 122 retained).
Molecular consequence: synonymous variant. On other transcripts: non-coding transcript variant (1).
Genome position (GRCh38, 1-based): chr11:8,094,158, C>T. VCF-style: chr11-8094158-C-T. GRCh37 (hg19) VCF-style: chr11-8115705-C-T.
Other names: c.531C>T (NM_003320.4); c.531C>T, p.Ala177= (NM_003320.5).
Identifiers: ClinVar variation 1906665 (VCV001906665.6), dbSNP rs546088028, ClinGen allele CA5871053.

ClinVar aggregate classification (germline): Likely benign. Review status: criteria provided, single submitter (1 of 4 stars). 2 submissions from 2 submitters: Likely benign (1). 1 of the submissions does not count toward it. Last evaluated 2023-07-10.

Conditions:
TUB-related disorder. Also called: TUB-related condition.

Allele frequency attached by ClinVar (database versions not stated): TOPMed below 0.00001; gnomAD 0.00001; gnomAD exomes 0.00001; ExAC 0.00002; 1000 Genomes Project 30x 0.00016; 1000 Genomes Project 0.00020.
gnomAD v4.1: 16 of 1,613,842 alleles (0.00099%); highest among the groups gnomAD compares: East Asian, 0.0022%; no homozygotes.

Submissions (2):

Labcorp Genetics (formerly Invitae), Labcorp
Classification: Likely benign. Last evaluated: 2023-07-10. Review status: criteria provided, single submitter. Criteria: Invitae Variant Classification Sherloc (09022015). Collection method: clinical testing. Allele origin: germline.

PreventionGenetics, part of Exact Sciences
Classification: Likely benign for TUB-related condition. Last evaluated: 2019-07-11. Review status: no assertion criteria provided. Collection method: clinical testing. Allele origin: germline. Not counted in ClinVar's aggregate classification.
Comment: This variant is classified as likely benign based on ACMG/AMP sequence variant interpretation guidelines (Richards et al. 2015 PMID: 25741868, with internal and published modifications).